The following is an entry in ClinVar:

ClinVar aggregate classification (germline): Benign (1 of 4 stars; one submission).

Conditions:
Sessile serrated polyposis cancer syndrome (SSPCS). Identifiers: Orphanet 157798, MedGen C4310714, MONDO:0014919, OMIM 617108.

Submission:

Myriad Genetics, Inc.
Classification: Benign for Sessile serrated polyposis cancer syndrome. Last evaluated: 2026-07-02. Review status: criteria provided, single submitter. Criteria: Myriad Autosomal Dominant, Autosomal Recessive and X-Linked Classification Criteria (2023). Collection method: clinical testing. Allele origin: unknown.
Comment: This variant is considered benign. This variant is a silent/synonymous amino acid change and it is not expected to impact splicing.

NM_017763.6(RNF43):c.2097G>A (p.Leu699=)

Gene: RNF43 (ring finger protein 43; minus strand). Cytogenetic location: 17q22.
Variant type: single nucleotide variant.
Coding change: c.2097G>A on transcript NM_017763.6 (MANE Select); coding-DNA position 2097, G replaced by A.
Protein change: p.Leu699=; no amino-acid change (leucine 699 retained).
Molecular consequence: synonymous variant.
Genome position (GRCh38, 1-based): chr17:58,357,679, C>T on the plus strand (G>A on the coding strand, the complement: RNF43 is on the minus strand). VCF-style: chr17-58357679-C-T. GRCh37 (hg19) VCF-style: chr17-56435040-C-T.
Other names: c.2097G>A, p.Leu699= (NM_001305544.3, NM_001438820.1, NM_001438821.1 and 1 more transcripts); c.1716G>A, p.Leu572= (NM_001305545.2, NM_001437987.1).
Identifiers: ClinVar variation 5042455 (VCV005042455.1).